The following is an entry in ClinVar:

ClinVar aggregate classification (germline): Uncertain significance (1 of 4 stars; one submission).

Conditions:
Kabuki syndrome. Also called: NIIKAWA-KUROKI SYNDROME; Kabuki make-up syndrome. Identifiers: Orphanet 2322, MedGen C0796004, MONDO:0016512.

Submission:

Labcorp Genetics (formerly Invitae), Labcorp
Classification: Uncertain significance for Kabuki syndrome. Last evaluated: 2025-11-01. Review status: criteria provided, single submitter. Criteria: Invitae Variant Classification Sherloc (09022015). Collection method: clinical testing. Allele origin: germline.
Comment: This variant, c.11763_11780del, results in the deletion of 6 amino acid(s) of the KMT2D protein (p.Gln3925_Gln3930del), but otherwise preserves the integrity of the reading frame. This variant is not present in population databases (gnomAD no frequency). This variant has not been reported in the literature in individuals affected with KMT2D-related conditions. ClinVar contains an entry for this variant (Variation ID: 2961856). Experimental studies and prediction algorithms are not available or were not evaluated, and the functional significance of this variant is currently unknown. In summary, the available evidence is currently insufficient to determine the role of this variant in disease. Therefore, it has been classified as a Variant of Uncertain Significance.

NM_003482.4(KMT2D):c.11763_11780del (p.3919QLQQQQ[1])

Gene: KMT2D (lysine methyltransferase 2D; minus strand). Cytogenetic location: 12q13.12.
Variant type: Deletion.
Coding change: c.11763_11780del on transcript NM_003482.4 (MANE Select); coding-DNA positions 11763 to 11780, 18 bases deleted (ACAGCAACAGCAACTTCA).
Protein change: p.3919QLQQQQ[1].
Molecular consequence: inframe deletion.
Genome position (GRCh38, 1-based): chr12:49,032,925-49,032,942, TGAAGTTGCTGTTGCTGT deleted on the plus strand (ACAGCAACAGCAACTTCA on the coding strand, the reverse complement: KMT2D is on the minus strand); deleting any 18 consecutive bases within chr12:49,032,925-49,032,944 gives the same sequence; the c. name uses the placement nearest the transcript's 3' end. VCF-style (leftmost placement, unchanged base first): chr12-49032924-CTGAAGTTGCTGTTGCTGT-C. GRCh37 (hg19) VCF-style: chr12-49426707-CTGAAGTTGCTGTTGCTGT-C.
Identifiers: ClinVar variation 2961856 (VCV002961856.3), dbSNP rs1364553533, ClinGen allele CA689537760.